The following is an entry in ClinVar:

NM_000257.4(MYH7):c.2462T>C (p.Phe821Ser)

Genes: MYH7 (myosin heavy chain 7; minus strand), LOC126861898 (BRD4-independent group 4 enhancer GRCh37_chr14:23893609-23894808; plus strand). Cytogenetic location: 14q11.2.
Variant type: single nucleotide variant.
Coding change: c.2462T>C on transcript NM_000257.4 (MANE Select); coding-DNA position 2462, T replaced by C.
Protein change: p.Phe821Ser; replaces phenylalanine 821 with serine.
Molecular consequence: missense variant.
Genome position (GRCh38, 1-based): chr14:23,424,986, A>G on the plus strand (T>C on the coding strand, the complement: MYH7 is on the minus strand). VCF-style: chr14-23424986-A-G. GRCh37 (hg19) VCF-style: chr14-23894195-A-G.
Other names: short protein forms F821S.
Identifiers: ClinVar variation 42905 (VCV000042905.17), dbSNP rs397516148, ClinGen allele CA012357.
Genomic context (GRCh38, chr14:23,424,986, plus strand): 5'-TTCAGCAGCGGCTTGATCTTGAAGTAGAGCTTCATCCAGGGCCAATTCTTGACCCCCATG[A>G]AGGCCCGAATGTTCCACTGGATTACCAGCAGGGAGTCTCTGCAGGGGCCCATTGAAAGGA-3'
Protein context (NP_000248.2, residues 811-831): LLVIQWNIRA[Phe821Ser]MGVKNWPWMK

ClinVar aggregate classification (germline): Conflicting classifications of pathogenicity. Review status: criteria provided, conflicting classifications (1 of 4 stars). 5 submissions from 5 submitters: Likely pathogenic (1); Uncertain significance (4). Last evaluated 2025-11-27.

Conditions:
Cardiovascular phenotype. Identifiers: MedGen CN230736.
Cardiomyopathy (CMYO). Also called: Cardiomyopathies. Identifiers: Orphanet 167848, MedGen C0878544, MONDO:0004994, HP:0001638. Inheritance: Various modes of inheritance.
Hypertrophic cardiomyopathy. Also called: HYPERTROPHIC MYOCARDIOPATHY. Identifiers: Orphanet 217569, MedGen C0007194, MeSH D002312, MONDO:0005045, HP:0001639.

Submissions (5):

Labcorp Genetics (formerly Invitae), Labcorp
Classification: Likely pathogenic for Hypertrophic cardiomyopathy. Last evaluated: 2025-11-27. Review status: criteria provided, single submitter. Criteria: Invitae Variant Classification Sherloc (09022015). Collection method: clinical testing. Allele origin: germline.
Comment: This sequence change replaces phenylalanine, which is neutral and non-polar, with serine, which is neutral and polar, at codon 821 of the MYH7 protein (p.Phe821Ser). This variant is not present in population databases (gnomAD no frequency). This missense change has been observed in individual(s) with autosomal dominant hypertrophic cardiomyopathy (PMID: 27532257, 37652022; internal data). It has also been observed to segregate with disease in related individuals. ClinVar contains an entry for this variant (Variation ID: 42905). Invitae Evidence Modeling of protein sequence and biophysical properties (such as structural, functional, and spatial information, amino acid conservation, physicochemical variation, residue mobility, and thermodynamic stability) indicates that this missense variant is expected to disrupt MYH7 protein function with a positive predictive value of 95%. In summary, the currently available evidence indicates that the variant is pathogenic, but additional data are needed to prove that conclusively. Therefore, this variant has been classified as Likely Pathogenic.

GeneDx
Classification: Uncertain significance. Last evaluated: 2023-08-24. Review status: criteria provided, single submitter. Criteria: GeneDx Variant Classification Process June 2021. Collection method: clinical testing. Allele origin: germline. Affected: yes.
Comment: Not observed at significant frequency in large population cohorts (gnomAD); In silico analysis supports that this missense variant has a deleterious effect on protein structure/function; This variant is associated with the following publications: (PMID: 27532257, 29300372)

Ambry Genetics
Classification: Uncertain significance for Cardiovascular phenotype. Last evaluated: 2022-09-26. Review status: criteria provided, single submitter. Criteria: Ambry Variant Classification Scheme 2023. Collection method: clinical testing. Allele origin: germline.

CHEO Genetics Diagnostic Laboratory, Children's Hospital of Eastern Ontario
Classification: Uncertain significance for Cardiomyopathy. Last evaluated: 2020-04-09. Review status: criteria provided, single submitter. Criteria: ACMG Guidelines, 2015. Collection method: clinical testing. Allele origin: germline.

Laboratory for Molecular Medicine, Mass General Brigham Personalized Medicine
Classification: Uncertain significance. Last evaluated: 2010-01-14. Review status: criteria provided, single submitter. Criteria: LMM Criteria. Collection method: clinical testing. Allele origin: germline. Observed: 1 variant allele.

Literature cited by the submitters: PubMed 27532257 (cited by Labcorp Genetics (formerly Invitae), Labcorp); PubMed 37652022 (cited by Labcorp Genetics (formerly Invitae), Labcorp).